The following is an entry in ClinVar:

ClinVar aggregate classification (germline): Uncertain significance (1 of 4 stars; one submission).

Submission:

GeneDx
Classification: Uncertain significance. Last evaluated: 2026-03-26. Review status: criteria provided, single submitter. Criteria: GeneDx Variant Classification Process June 2021. Collection method: clinical testing. Allele origin: germline.
Comment: Not observed at significant frequency in large population cohorts (gnomAD); In silico analysis supports that this missense variant has a deleterious effect on protein structure/function; Has not been previously published as pathogenic or benign to our knowledge

NM_032892.5(FRMD5):c.830C>G (p.Pro277Arg)

Gene: FRMD5 (FERM domain containing 5; minus strand). Cytogenetic location: 15q15.3.
Variant type: single nucleotide variant.
Coding change: c.830C>G on transcript NM_032892.5 (MANE Select); coding-DNA position 830, C replaced by G.
Protein change: p.Pro277Arg; replaces proline 277 with arginine.
Molecular consequence: missense variant. On other transcripts: non-coding transcript variant (1).
Genome position (GRCh38, 1-based): chr15:43,888,229, G>C on the plus strand (C>G on the coding strand, the complement: FRMD5 is on the minus strand). VCF-style: chr15-43888229-G-C. GRCh37 (hg19) VCF-style: chr15-44180427-G-C.
Other names: c.548C>G, p.Pro183Arg (NM_001286490.2); c.128C>G, p.Pro43Arg (NM_001286491.2); c.830C>G, p.Pro277Arg (NM_001322949.2, NM_001322950.2, NM_001411124.1); c.725C>G, p.Pro242Arg (NM_001322951.2); short protein forms P183R, P242R, P277R, P43R.
Identifiers: ClinVar variation 5017227 (VCV005017227.1).